The following is an entry in ClinVar:

NM_000135.4(FANCA):c.793-1G>T

Gene: FANCA (FA complementation group A; minus strand). Cytogenetic location: 16q24.3.
Variant type: single nucleotide variant.
Coding change: c.793-1G>T on transcript NM_000135.4 (MANE Select); the canonical splice acceptor site of the intron before coding-DNA position 793, G replaced by T.
Molecular consequence: splice acceptor variant.
Genome position (GRCh38, 1-based): chr16:89,799,639, C>A on the plus strand (G>T on the coding strand, the complement: FANCA is on the minus strand). VCF-style: chr16-89799639-C-A. GRCh37 (hg19) VCF-style: chr16-89866047-C-A.
Other names: c.793-1G>T (NM_001286167.3, NM_001018112.3); c.697-1G>T (NM_001351830.2).
Identifiers: ClinVar variation 4817540 (VCV004817540.1).

ClinVar aggregate classification (germline): Pathogenic (1 of 4 stars; one submission).

Conditions:
Fanconi anemia (FA). Also called: Fanconi's anemia. Identifiers: Orphanet 84, MedGen C0015625, MeSH D005199, MONDO:0019391.

Submission:

Natera, Inc.
Classification: Pathogenic for Fanconi anemia. Last evaluated: 2024-08-12. Review status: criteria provided, single submitter. Criteria: Natera Variant Classification Schema (03/2026). Collection method: clinical testing. Allele origin: germline.
Comment: The c.793-1G>T variant in FANCA is a canonical splice acceptor site variant predicted to affect pre-mRNA splicing, which may result in an abnormal transcript and altered protein product. This variant is expected to result in nonsense mediated decay, truncation, or a dysfunctional protein product. This variant is rare in the general population with a frequency below the threshold expected for the associated phenotype(s). Another variant at this same site results in an alteration predicted to cause a similar molecular effect has been observed in individual(s) with the associated phenotype. Given the available evidence, this variant is classified as Pathogenic.